The following is an entry in ClinVar:

ClinVar aggregate classification (germline): Conflicting classifications of pathogenicity. Review status: criteria provided, conflicting classifications (1 of 4 stars). 5 submissions from 5 submitters: Pathogenic (3); Likely pathogenic (1); Uncertain significance (1). Last evaluated 2026-08-06.

Conditions:
Snijders Blok-Campeau syndrome. Also called: INTELLECTUAL DEVELOPMENTAL DISORDER WITH MACROCEPHALY, SPEECH DELAY, AND DYSMORPHIC FACIES. Identifiers: Orphanet 599082, MedGen C4748701, MONDO:0032600, OMIM 618205.
CHD3-related disorders.
Paediatric disorders.

Submissions (5):

NHS Central & South Genomic Laboratory Hub
Classification: Pathogenic for Paediatric disorders. Last evaluated: 2026-08-06. Review status: criteria provided, single submitter. Criteria: ACMG Guidelines, 2015. Collection method: clinical testing. Allele origin: germline. Affected: yes.

GeneDx
Classification: Pathogenic. Last evaluated: 2026-04-21. Review status: criteria provided, single submitter. Criteria: GeneDx Variant Classification Process June 2021. Collection method: clinical testing. Allele origin: germline.
Comment: In silico analysis supports that this missense variant has a deleterious effect on protein structure/function; Not observed at significant frequency in large population cohorts (gnomAD); This variant is associated with the following publications: (PMID: 35982159, 33057194, 33921431)

Blueprint Genetics
Classification: Likely pathogenic for CHD3-related disorders. Last evaluated: 2023-11-29. Review status: criteria provided, single submitter. Criteria: ACMG Guidelines, 2015. Collection method: clinical testing. Allele origin: germline. Affected: yes. Observed: 1 variant allele.

Department of Genetics, Rouen University Hospital, Normandy Center for Genomic and Personalized Medicine
Classification: Pathogenic for Snijders Blok-Campeau syndrome. Last evaluated: 2021-06-11. Review status: criteria provided, single submitter. Criteria: ACMG Guidelines, 2015. Collection method: clinical testing. Allele origin: de novo. Affected: yes.

Juno Genomics, Hangzhou Juno Genomics, Inc
Classification: Uncertain significance for Snijders Blok-Campeau syndrome. Review status: criteria provided, single submitter. Criteria: ACMG Guidelines, 2015. Collection method: clinical testing. Allele origin: germline. Affected: yes.
Comment: Absent from controls (or at extremely low frequency if recessive) in Genome Aggregation Database, Exome Sequencing Project, 1000 Genomes Project, or Exome Aggregation Consortium.;Novel missense change at an amino acid residue where a different missense change determined to be pathogenic has been seen before.;Multiple lines of computational evidence support a deleterious effect on the gene or gene product (conservation, evolutionary, splicing impact, etc).;Missense variant in a gene that has a low rate of benign missense variation and where missense variants are a common mechanism of disease.;The prevalence of the variant in affected individuals is significantly increased compared to the prevalence in controls.

NM_001005273.3(CHD3):c.4024C>T (p.Arg1342Trp)

Gene: CHD3 (chromodomain helicase DNA binding protein 3; plus strand). Cytogenetic location: 17p13.1.
Variant type: single nucleotide variant.
Coding change: c.4024C>T on transcript NM_001005273.3 (MANE Select); coding-DNA position 4024, C replaced by T.
Protein change: p.Arg1342Trp; replaces arginine 1342 with tryptophan.
Molecular consequence: missense variant.
Genome position (GRCh38, 1-based): chr17:7,904,571, C>T. VCF-style: chr17-7904571-C-T. GRCh37 (hg19) VCF-style: chr17-7807889-C-T.
Other names: c.4201C>T, p.Arg1401Trp (NM_001005271.3); c.4024C>T, p.Arg1342Trp (NM_005852.4); short protein forms R1342W, R1401W.
Identifiers: ClinVar variation 1343210 (VCV001343210.7), dbSNP rs2151615708, ClinGen allele CA397944491.
Genomic context (GRCh38, chr17:7,904,571, plus strand): 5'-CTGAGGCATCACTATGAGCAACAGCAGGAAGACCTAGCCCGGAATCTAGGCAAGGGCAAG[C>T]GGGTTCGCAAGCAAGTTAACTACAATGATGCTGCTCAGGAAGACCAAGGTGAGGACTGCC-3'
Protein context (NP_001005273.1, residues 1332-1352): DLARNLGKGK[Arg1342Trp]VRKQVNYNDA